The following is an entry in ClinVar:

ClinVar aggregate classification (germline): Uncertain significance (1 of 4 stars; one submission).

Conditions:
Fanconi anemia complementation group O. Also called: RAD51C-Related Fanconi Anemia. Identifiers: Orphanet 84, MedGen C3150653, MONDO:0013248, OMIM 613390.

Submission:

Labcorp Genetics (formerly Invitae), Labcorp
Classification: Uncertain significance for Fanconi anemia complementation group O. Last evaluated: 2023-12-11. Review status: criteria provided, single submitter. Criteria: Invitae Variant Classification Sherloc (09022015). Collection method: clinical testing. Allele origin: germline.
Comment: This sequence change replaces glutamine, which is neutral and polar, with leucine, which is neutral and non-polar, at codon 358 of the RAD51C protein (p.Gln358Leu). This variant is not present in population databases (gnomAD no frequency). This variant has not been reported in the literature in individuals affected with RAD51C-related conditions. ClinVar contains an entry for this variant (Variation ID: 643248). An algorithm developed to predict the effect of missense changes on protein structure and function (PolyPhen-2) suggests that this variant is likely to be tolerated. In summary, the available evidence is currently insufficient to determine the role of this variant in disease. Therefore, it has been classified as a Variant of Uncertain Significance.

NM_058216.3(RAD51C):c.1073A>T (p.Gln358Leu)

Gene: RAD51C (RAD51 paralog C; plus strand). Cytogenetic location: 17q22.
Variant type: single nucleotide variant.
Coding change: c.1073A>T on transcript NM_058216.3 (MANE Select); coding-DNA position 1073, A replaced by T.
Protein change: p.Gln358Leu; replaces glutamine 358 with leucine.
Molecular consequence: missense variant. On other transcripts: non-coding transcript variant (1).
Genome position (GRCh38, 1-based): chr17:58,734,164, A>T. VCF-style: chr17-58734164-A-T. GRCh37 (hg19) VCF-style: chr17-56811525-A-T.
Other names: short protein forms Q358L.
Identifiers: ClinVar variation 643248 (VCV000643248.8), dbSNP rs1567818677, ClinGen allele CA400366245.
Genomic context (GRCh38, chr17:58,734,164, plus strand): 5'-TTTTTATCTTTCAGCCTCAGGGATTTAGAGATACTGTTGTTACTTCTGCATGTTCATTGC[A>T]AACAGAAGGTTCCTTGAGCACCCGGAAACGGTCACGAGACCCAGAGGAAGAATTATAACC-3'
Protein context (NP_478123.1, residues 348-368): DTVVTSACSL[Gln358Leu]TEGSLSTRKR